The following is an entry in ClinVar:

ClinVar aggregate classification (germline): Pathogenic/Likely pathogenic. Review status: criteria provided, multiple submitters, no conflicts (2 of 4 stars). 3 submissions from 3 submitters: Pathogenic (1); Likely pathogenic (1). 1 of the submissions does not count toward it. Last evaluated 2022-10-13.

Conditions:
Charcot-Marie-Tooth disease type 2. Also called: Charcot-Marie-Tooth type 2. Identifiers: Orphanet 64746, MedGen C0270914, MONDO:0018993.
Primary dilated cardiomyopathy (DCM). Also called: Dilated Cardiomyopathy. Identifiers: Orphanet 217604, MedGen C0007193, MeSH D002311, MONDO:0005021, HP:0001644. Inheritance: Various modes of inheritance.

Submissions (3):

Labcorp Genetics (formerly Invitae), Labcorp
Classification: Pathogenic for Charcot-Marie-Tooth disease type 2. Last evaluated: 2022-10-13. Review status: criteria provided, single submitter. Criteria: Invitae Variant Classification Sherloc (09022015). Collection method: clinical testing. Allele origin: germline.
Comment: ClinVar contains an entry for this variant (Variation ID: 66859). For these reasons, this variant has been classified as Pathogenic. This variant disrupts the p.Arg541 amino acid residue in LMNA. Other variant(s) that disrupt this residue have been determined to be pathogenic (PMID: 14684700, 18564364, 18646565, 23183350, 27532257). This suggests that this residue is clinically significant, and that variants that disrupt this residue are likely to be disease-causing. Experimental studies are conflicting or provide insufficient evidence to determine the effect of this variant on LMNA function (PMID: 16061563, 16218190). Advanced modeling of protein sequence and biophysical properties (such as structural, functional, and spatial information, amino acid conservation, physicochemical variation, residue mobility, and thermodynamic stability) performed at Invitae indicates that this missense variant is expected to disrupt LMNA protein function. This missense change has been observed in individual(s) with dilated cardiomyopathy or limb-girdle muscular dystrophy (PMID: 16061563, 16537768, 20848652, 31498906). In at least one individual the variant was observed to be de novo. This variant is not present in population databases (gnomAD no frequency). This sequence change replaces arginine, which is basic and polar, with serine, which is neutral and polar, at codon 541 of the LMNA protein (p.Arg541Ser).

Laboratory for Molecular Medicine, Mass General Brigham Personalized Medicine
Classification: Likely pathogenic for Primary dilated cardiomyopathy. Last evaluated: 2011-10-07. Review status: criteria provided, single submitter. Criteria: ACMG Guidelines, 2015. Collection method: clinical testing. Allele origin: germline.
Comment: The Arg541Ser variant has been identified in at least 3 inidiviuals with DCM and was absent from 500 control chromosomes (Sylvuis 2005, Karkkainen 2006, Gupta 2010, Scharner 2011). One of these inidividuals was reported to have de novo occurance of this variant but no reference to ruling out non-medical explantations such as undisclosed adoption or non-paternity was mentioned in this article (Karkkainen 2006). In addition, this variant was reported in an individual with DCM but a family history of LGMD and DCM (Scharner 2011). Arginine (Arg) at position 541 is highly conserved across envolutionarily distant species, suggesting that a change may not be tolerated. Computational analysis (AlignGVGD, PolyPhen2, and SIFT) suggest that a change to a serine (Ser) at this position may impact the protien; however, the accuracy of such tools is unknown. In addition, changes to different amino acids at this position have been identified in individuals with muscular dystrophy (Arg541His, Arg541Pro) and DCM (Arg541Cys). Based on this information, the Arg541Ser variant is likely to be pathogenic.

Epithelial Biology;  Institute of Medical Biology, Singapore
No classification provided. Review status: no classification provided. Collection method: not provided. Allele origin: not provided. Not counted in ClinVar's aggregate classification.

Literature cited by the submitters: PubMed 14684700 (cited by Labcorp Genetics (formerly Invitae), Labcorp); PubMed 18564364 (cited by Labcorp Genetics (formerly Invitae), Labcorp); PubMed 18646565 (cited by Labcorp Genetics (formerly Invitae), Labcorp); PubMed 23183350 (cited by Labcorp Genetics (formerly Invitae), Labcorp); PubMed 27532257 (cited by Labcorp Genetics (formerly Invitae), Labcorp); PubMed 16061563 (cited by Labcorp Genetics (formerly Invitae), Labcorp and Laboratory for Molecular Medicine, Mass General Brigham Personalized Medicine); PubMed 16218190 (cited by Labcorp Genetics (formerly Invitae), Labcorp); PubMed 16537768 (cited by Labcorp Genetics (formerly Invitae), Labcorp and Laboratory for Molecular Medicine, Mass General Brigham Personalized Medicine); PubMed 20848652 (cited by Labcorp Genetics (formerly Invitae), Labcorp and Laboratory for Molecular Medicine, Mass General Brigham Personalized Medicine); PubMed 31498906 (cited by Labcorp Genetics (formerly Invitae), Labcorp); PubMed 20127487 (cited by Laboratory for Molecular Medicine, Mass General Brigham Personalized Medicine).

NM_170707.4(LMNA):c.1621C>A (p.Arg541Ser)

Gene: LMNA (lamin A/C; plus strand). Cytogenetic location: 1q22.
Variant type: single nucleotide variant.
Coding change: c.1621C>A on transcript NM_170707.4 (MANE Select); coding-DNA position 1621, C replaced by A.
Protein change: p.Arg541Ser; replaces arginine 541 with serine.
Molecular consequence: missense variant. On other transcripts: intron variant (1).
Genome position (GRCh38, 1-based): chr1:156,137,666, C>A. VCF-style: chr1-156137666-C-A. GRCh37 (hg19) VCF-style: chr1-156107457-C-A.
Other names: c.1285C>A, p.Arg429Ser (NM_001257374.3); c.1378C>A, p.Arg460Ser (NM_001282624.2); c.1621C>A, p.Arg541Ser (NM_001282625.2, NM_001282626.2, NM_005572.4); c.1608+434C>A (NM_170708.4); short protein forms R541S, R460S, R429S.
Identifiers: ClinVar variation 66859 (VCV000066859.10), dbSNP rs56984562, ClinGen allele CA017601.